The following is an entry in ClinVar:

NM_001365536.1(SCN9A):c.3869G>A (p.Arg1290Gln)

Genes: SCN9A (sodium voltage-gated channel alpha subunit 9; minus strand), SCN1A-AS1 (SCN1A and SCN9A antisense RNA 1; plus strand). Cytogenetic location: 2q24.3.
Variant type: single nucleotide variant.
Coding change: c.3869G>A on transcript NM_001365536.1 (MANE Select); coding-DNA position 3869, G replaced by A.
Protein change: p.Arg1290Gln; replaces arginine 1290 with glutamine.
Molecular consequence: missense variant.
Genome position (GRCh38, 1-based): chr2:166,233,395, C>T on the plus strand (G>A on the coding strand, the complement: SCN9A is on the minus strand). VCF-style: chr2-166233395-C-T. GRCh37 (hg19) VCF-style: chr2-167089905-C-T.
Other names: c.3836G>A, p.Arg1279Gln (NM_002977.4); short protein forms R1290Q, R1279Q.
Identifiers: ClinVar variation 859073 (VCV000859073.13), dbSNP rs368396027, ClinGen allele CA1943987.

ClinVar aggregate classification (germline): Uncertain significance. Review status: criteria provided, multiple submitters, no conflicts (2 of 4 stars). 2 submissions from 2 submitters: Uncertain significance (2). Last evaluated 2025-08-08.

Conditions:
Neuropathy, hereditary sensory and autonomic, type 2A (HSAN2A). Also called: HSAN IIA; MORVAN DISEASE; NEUROPATHY, CONGENITAL SENSORY; NEUROPATHY, HEREDITARY SENSORY RADICULAR, AUTOSOMAL RECESSIVE; NEUROPATHY, HEREDITARY SENSORY, TYPE IIA; NEUROPATHY, PROGRESSIVE SENSORY, OF CHILDREN. Identifiers: Orphanet 970, MedGen C2752089, MONDO:0024309, OMIM 201300.
Generalized epilepsy with febrile seizures plus, type 7 (GEFSP7). Also called: GEFS+, TYPE 7. Identifiers: Orphanet 36387, MedGen C2751778, MONDO:0013470, OMIM 613863.
Inborn genetic diseases. Identifiers: MedGen C0950123, MeSH D030342.

Allele frequency attached by ClinVar (database versions not stated): TOPMed 0.00001; gnomAD 0.00003 and 0.00004.
gnomAD v4.1: 28 of 1,579,526 alleles (0.0018%); highest among the groups gnomAD compares: Middle Eastern, 0.017%; no homozygotes.

Submissions (3):

Ambry Genetics
Classification: Uncertain significance for Inborn genetic diseases. Last evaluated: 2025-08-08. Review status: criteria provided, single submitter. Criteria: Ambry Variant Classification Scheme 2023. Collection method: clinical testing. Allele origin: germline.

Labcorp Genetics (formerly Invitae), Labcorp
Classification: Uncertain significance for Neuropathy, hereditary sensory and autonomic, type 2A; Generalized epilepsy with febrile seizures plus, type 7. Last evaluated: 2023-11-07. Review status: criteria provided, single submitter. Criteria: Invitae Variant Classification Sherloc (09022015). Collection method: clinical testing. Allele origin: germline.
Comment: This sequence change replaces arginine, which is basic and polar, with glutamine, which is neutral and polar, at codon 1279 of the SCN9A protein (p.Arg1279Gln). This variant is present in population databases (rs368396027, gnomAD 0.01%). This missense change has been observed in individual(s) with small fibre neuropathy (PMID: 30554136). ClinVar contains an entry for this variant (Variation ID: 859073). Advanced modeling of protein sequence and biophysical properties (such as structural, functional, and spatial information, amino acid conservation, physicochemical variation, residue mobility, and thermodynamic stability) has been performed at Invitae for this missense variant, however the output from this modeling did not meet the statistical confidence thresholds required to predict the impact of this variant on SCN9A protein function. In summary, the available evidence is currently insufficient to determine the role of this variant in disease. Therefore, it has been classified as a Variant of Uncertain Significance.

Dr. Peter K. Rogan Lab, Western University
No classification provided (evidence only). Condition: Melanoma. Review status: no classification provided. Collection method: in vitro. Allele origin: not applicable. Functional consequence: skipped exon, retained intron. Not counted in ClinVar's aggregate classification.

Literature cited by the submitters: PubMed 30554136 (cited by Labcorp Genetics (formerly Invitae), Labcorp).